The following is an entry in ClinVar:

NC_012920.1(MT-ND4):m.12011T>G

Gene: MT-ND4 (mitochondrially encoded NADH dehydrogenase 4; plus strand).
Variant type: single nucleotide variant.
Genome position: chrM-12011-T-G.
Identifiers: ClinVar variation 693396 (VCV000693396.1), dbSNP rs386829144, ClinGen allele CA414812083.

ClinVar aggregate classification (germline): Uncertain significance (1 of 4 stars; one submission).

Conditions:
Leigh syndrome (NULS). Also called: Leigh's necrotizing encephalopathy; Leigh's disease; Leigh Syndrome (mtDNA deletion); Leigh Disease; Subacute necrotizing encephalopathy; Necrotizing encephalopathy infantile subacute of Leigh. Identifiers: Orphanet 506, MedGen C2931891, MONDO:0009723, OMIM 256000.

Submission:

Wong Mito Lab, Molecular and Human Genetics, Baylor College of Medicine
Classification: Uncertain significance for Leigh syndrome. Last evaluated: 2019-10-17. Review status: criteria provided, single submitter. Criteria: Modified ACMG Guidelines (Unpublished). Collection method: clinical testing. Allele origin: germline.
Comment: The NC_012920.1:m.12011T>G (YP_003024035.1:p.Ser418Ala) variant in MTND4 gene is interpretated to be a Uncertain Significance variant based on the modified ACMG guidelines (unpublished). This variant meets the following evidence codes: PP6, BP4